The following is an entry in ClinVar:

NM_001009999.3(KDM1A):c.557A>G (p.Tyr186Cys)

Gene: KDM1A (lysine demethylase 1A; plus strand). Cytogenetic location: 1p36.12.
Variant type: single nucleotide variant.
Coding change: c.557A>G on transcript NM_001009999.3 (MANE Select); coding-DNA position 557, A replaced by G.
Protein change: p.Tyr186Cys; replaces tyrosine 186 with cysteine.
Molecular consequence: missense variant. On other transcripts: intron variant (2).
Genome position (GRCh38, 1-based): chr1:23,044,466, A>G. VCF-style: chr1-23044466-A-G. GRCh37 (hg19) VCF-style: chr1-23370959-A-G.
Other names: c.557A>G, p.Tyr186Cys (NM_001410762.1); c.518-5921A>G (NM_001363654.2, NM_015013.4); c.557A>G (NM_001009999.2); short protein forms Y186C.
Identifiers: ClinVar variation 2011465 (VCV002011465.6), dbSNP rs2522626048, ClinGen allele CA338960138.

ClinVar aggregate classification (germline): Uncertain significance. Review status: criteria provided, multiple submitters, no conflicts (2 of 4 stars). 2 submissions from 2 submitters: Uncertain significance (2). Last evaluated 2024-12-30.

Conditions:
Inborn genetic diseases. Identifiers: MedGen C0950123, MeSH D030342.

Allele frequency attached by ClinVar (database versions not stated): gnomAD exomes below 0.00001.
gnomAD v4.1: 1 of 1,611,788 alleles (0.000062%); highest among the groups gnomAD compares: South Asian, 0.0011%; no homozygotes.

Submissions (2):

Ambry Genetics
Classification: Uncertain significance for Inborn genetic diseases. Last evaluated: 2024-12-30. Review status: criteria provided, single submitter. Criteria: Ambry Variant Classification Scheme 2023. Collection method: clinical testing. Allele origin: germline.
Comment: The p.Y186C variant (also known as c.557A>G), located in coding exon 3 of the KDM1A gene, results from an A to G substitution at nucleotide position 557. The tyrosine at codon 186 is replaced by cysteine, an amino acid with highly dissimilar properties. This amino acid position is conserved. In addition, this alteration is predicted to be tolerated by in silico analysis. Based on the available evidence, the clinical significance of this variant remains unclear.

Labcorp Genetics (formerly Invitae), Labcorp
Classification: Uncertain significance. Last evaluated: 2022-07-27. Review status: criteria provided, single submitter. Criteria: Invitae Variant Classification Sherloc (09022015). Collection method: clinical testing. Allele origin: germline.
Comment: This sequence change replaces tyrosine, which is neutral and polar, with cysteine, which is neutral and slightly polar, at codon 186 of the KDM1A protein (p.Tyr186Cys). This variant is not present in population databases (gnomAD no frequency). This variant has not been reported in the literature in individuals affected with KDM1A-related conditions. Algorithms developed to predict the effect of missense changes on protein structure and function (SIFT, PolyPhen-2, Align-GVGD) all suggest that this variant is likely to be tolerated. In summary, the available evidence is currently insufficient to determine the role of this variant in disease. Therefore, it has been classified as a Variant of Uncertain Significance.